The following is an entry in ClinVar:

NC_000007.13:g.(?_120446640)_(120533198_?)del

Gene: TSPAN12 (tetraspanin 12; minus strand). Cytogenetic location: 7q31.31.
Variant type: Deletion.
Identifiers: ClinVar variation 3245905 (VCV003245905.1).

ClinVar aggregate classification (germline): Pathogenic (1 of 4 stars; one submission).

Submission:

Labcorp Genetics (formerly Invitae), Labcorp
Classification: Pathogenic. Last evaluated: 2023-01-11. Review status: criteria provided, single submitter. Criteria: Invitae Variant Classification Sherloc (09022015). Collection method: clinical testing. Allele origin: unknown.
Comment: For these reasons, this variant has been classified as Pathogenic. This variant has not been reported in the literature in individuals affected with TSPAN12-related conditions. This variant results in the deletion of exons 1-6 and part of exon 7 (c.-35395_574del) of the TSPAN12 gene. It is expected to result in an absent or disrupted protein product. Loss-of-function variants in TSPAN12 are known to be pathogenic (PMID: 20159112, 21334594).

Literature cited by the submitters: PubMed 20159112; PubMed 21334594.